The following is an entry in ClinVar:

NM_181523.3(PIK3R1):c.499T>C (p.Cys167Arg)

Gene: PIK3R1 (phosphoinositide-3-kinase regulatory subunit 1; plus strand). Cytogenetic location: 5q13.1.
Variant type: single nucleotide variant.
Coding change: c.499T>C on transcript NM_181523.3 (MANE Select); coding-DNA position 499, T replaced by C.
Protein change: p.Cys167Arg; replaces cysteine 167 with arginine.
Molecular consequence: missense variant.
Genome position (GRCh38, 1-based): chr5:68,274,010, T>C. VCF-style: chr5-68274010-T-C. GRCh37 (hg19) VCF-style: chr5-67569838-T-C.
Other names: short protein forms C167R.
Identifiers: ClinVar variation 5037344 (VCV005037344.1).

ClinVar aggregate classification (germline): Uncertain significance (1 of 4 stars; one submission).

Submission:

GeneDx
Classification: Uncertain significance. Last evaluated: 2026-04-21. Review status: criteria provided, single submitter. Criteria: GeneDx Variant Classification Process June 2021. Collection method: clinical testing. Allele origin: germline.
Comment: Not observed at significant frequency in large population cohorts (gnomAD); In silico analysis suggests that this missense variant does not alter protein structure/function; Has not been previously published as pathogenic or benign to our knowledge